The following is an entry in ClinVar:

ClinVar aggregate classification (germline): Likely benign (1 of 4 stars; one submission).

Allele frequency attached by ClinVar (database versions not stated): gnomAD exomes 0.00056; ExAC 0.00156; gnomAD 0.00514; 1000 Genomes Project 0.00519; TOPMed 0.00574; 1000 Genomes Project 30x 0.00593.
gnomAD v4.1: 1,463 of 1,338,996 alleles (0.11%); highest among the groups gnomAD compares: African/African-American, 1.9%; 18 homozygotes.

Submission:

GeneDx
Classification: Likely benign. Last evaluated: 2019-03-10. Review status: criteria provided, single submitter. Criteria: GeneDx Variant Classification Process June 2021. Collection method: clinical testing. Allele origin: germline. Affected: yes.
Comment: See Variant Classification Assertion Criteria.

NM_000631.5(NCF4):c.529-54T>C

Gene: NCF4 (neutrophil cytosolic factor 4; plus strand). Cytogenetic location: 22q12.3.
Variant type: single nucleotide variant.
Coding change: c.529-54T>C on transcript NM_000631.5 (MANE Select); 54 bases into the intron before coding-DNA position 529, T replaced by C.
Molecular consequence: intron variant.
Genome position (GRCh38, 1-based): chr22:36,872,273, T>C. VCF-style: chr22-36872273-T-C. GRCh37 (hg19) VCF-style: chr22-37268315-T-C.
Other names: c.529-54T>C (NM_013416.4).
Identifiers: ClinVar variation 1707125 (VCV001707125.2), dbSNP rs34871753, ClinGen allele CA10213072.